The following is an entry in ClinVar:

NM_000368.5(TSC1):c.219G>C (p.Leu73Phe)

Gene: TSC1 (TSC complex subunit 1; minus strand). Cytogenetic location: 9q34.13.
Variant type: single nucleotide variant.
Coding change: c.219G>C on transcript NM_000368.5 (MANE Select); coding-DNA position 219, G replaced by C.
Protein change: p.Leu73Phe; replaces leucine 73 with phenylalanine.
Molecular consequence: missense variant. On other transcripts: 5 prime UTR variant (18), non-coding transcript variant (5), intron variant (5).
Genome position (GRCh38, 1-based): chr9:132,925,731, C>G on the plus strand (G>C on the coding strand, the complement: TSC1 is on the minus strand). VCF-style: chr9-132925731-C-G. GRCh37 (hg19) VCF-style: chr9-135801118-C-G.
Other names: c.219G>C, p.Leu73Phe (NM_001162426.2, NM_001406592.1, NM_001406593.1 and 16 more transcripts); c.-145G>C (NM_001362177.2, NM_001406617.1, NM_001406618.1 and 5 more transcripts); c.-237G>C (NM_001406614.1, NM_001406616.1, NM_001406624.1); c.-270G>C (NM_001406615.1, NM_001406623.1); c.-659G>C (NM_001406626.1, NM_001406627.1, NM_001406628.1); c.-801G>C (NM_001406629.1); c.-875G>C (NM_001406630.1); c.210+1470G>C (NM_001406613.1, NM_001406612.1, NM_001406610.1 and 2 more transcripts); short protein forms L73F.
Identifiers: ClinVar variation 4709632 (VCV004709632.1).
Genomic context (GRCh38, chr9:132,925,731, plus strand): 5'-CAGTAACGAGAGGATGGATAAACGAGTGGCGGCTTTGCCCACATATTCGTTAATCCTGTC[C>G]AAGAGGTGCTGAAAATGTAAAAGAACAAGGGCAGTCCTCACATGAATGTATGAAGTTAAC-3'
Protein context (NP_000359.1, residues 63-83): TLQEPHDKHL[Leu73Phe]DRINEYVGKA

ClinVar aggregate classification (germline): Uncertain significance (1 of 4 stars; one submission).

Conditions:
Tuberous sclerosis 1 (TSC1). Identifiers: Orphanet 805, MedGen C1854465, MONDO:0008612, OMIM 191100.

Submission:

Labcorp Genetics (formerly Invitae), Labcorp
Classification: Uncertain significance for Tuberous sclerosis 1. Last evaluated: 2025-03-25. Review status: criteria provided, single submitter. Criteria: Invitae Variant Classification Sherloc (09022015). Collection method: clinical testing. Allele origin: germline.
Comment: This sequence change replaces leucine, which is neutral and non-polar, with phenylalanine, which is neutral and non-polar, at codon 73 of the TSC1 protein (p.Leu73Phe). This variant is not present in population databases (gnomAD no frequency). This variant has not been reported in the literature in individuals affected with TSC1-related conditions. Invitae Evidence Modeling of protein sequence and biophysical properties (such as structural, functional, and spatial information, amino acid conservation, physicochemical variation, residue mobility, and thermodynamic stability) indicates that this missense variant is not expected to disrupt TSC1 protein function with a negative predictive value of 95%. In summary, the available evidence is currently insufficient to determine the role of this variant in disease. Therefore, it has been classified as a Variant of Uncertain Significance.